The following is an entry in ClinVar:

ClinVar aggregate classification (germline): Likely pathogenic. Review status: criteria provided, multiple submitters, no conflicts (2 of 4 stars). 3 submissions from 3 submitters: Likely pathogenic (3). Last evaluated 2024-12-06.

Conditions:
Propionic acidemia (PROP). Also called: GLYCINEMIA, KETOTIC; HYPERGLYCINEMIA WITH KETOACIDOSIS AND LEUKOPENIA; KETOTIC HYPERGLYCINEMIA. Identifiers: Orphanet 35, MedGen C0268579, MONDO:0011628, OMIM 606054, HP:0003571.

Submissions (3):

Natera, Inc.
Classification: Likely pathogenic for Propionic acidemia. Last evaluated: 2024-12-06. Review status: criteria provided, single submitter. Criteria: Natera Variant Classification Schema (03/2026). Collection method: clinical testing. Allele origin: germline.
Comment: The c.1095delT variant in PCCA is a frameshift variant predicted to shift the reading frame beginning at codon 366 and leads to a stop codon 4 codons downstream. This variant is expected to result in nonsense mediated decay, truncation, or a dysfunctional protein product. This variant is rare in the general population with a frequency below the threshold expected for the associated phenotype(s). Given the available evidence, this variant is classified as Likely Pathogenic.

Baylor Genetics
Classification: Likely pathogenic for Propionic acidemia. Last evaluated: 2023-03-09. Review status: criteria provided, single submitter. Criteria: ACMG Guidelines, 2015. Collection method: clinical testing. Allele origin: unknown.

Myriad Genetics, Inc.
Classification: Likely pathogenic for Propionic acidemia. Last evaluated: 2021-12-17. Review status: criteria provided, single submitter. Criteria: Myriad Women's Health Autosomal Recessive and X-Linked Classification Criteria (2021). Collection method: clinical testing. Allele origin: unknown.
Comment: NM_000282.3(PCCA):c.1095delT(G366Afs*4) is expected to be pathogenic in the context of PCCA-related propionic acidemia. This variant is predicted to lead to an abnormal or absent protein product due to the creation of a premature termination codon in PCCA, a gene where loss-of-function variants are known to be pathogenic. Please note: this variant was assessed in the context of healthy population screening.

NM_000282.4(PCCA):c.1095del (p.Gly366fs)

Gene: PCCA (propionyl-CoA carboxylase subunit alpha; plus strand). Cytogenetic location: 13q32.3.
Variant type: Deletion.
Coding change: c.1095del on transcript NM_000282.4 (MANE Select); coding-DNA position 1095, one base deleted (T; older notation c.1095delT).
Protein change: p.Gly366fs; shifts the reading frame from glycine 366.
Molecular consequence: frameshift variant. On other transcripts: non-coding transcript variant (5), intron variant (3).
Genome position (GRCh38, 1-based): chr13:100,301,489, T deleted. VCF-style (leftmost placement, unchanged base first): chr13-100301488-CT-C. GRCh37 (hg19) VCF-style: chr13-100953742-CT-C.
Other names: c.1095delT (NM_000282.3); c.1066-1435del (NM_001352606.2); c.121-1435del (NM_001352612.2); c.988-1435del (NM_001352608.2); c.1017del, p.Gly340fs (NM_001127692.3, NM_001352607.2); c.1095del, p.Gly366fs (NM_001178004.2, NM_001352605.2, NM_001352609.2); c.150del, p.Gly51fs (NM_001352610.2, NM_001352611.2); short protein forms G340fs, G366fs, G51fs.
Identifiers: ClinVar variation 1726515 (VCV001726515.4), dbSNP rs2548112960, ClinGen allele CA2580086954.